The following is an entry in ClinVar:

NM_000260.4(MYO7A):c.2236G>A (p.Asp746Asn)

Gene: MYO7A (myosin VIIA; plus strand). Cytogenetic location: 11q13.5.
Variant type: single nucleotide variant.
Coding change: c.2236G>A on transcript NM_000260.4 (MANE Select); coding-DNA position 2236, G replaced by A.
Protein change: p.Asp746Asn; replaces aspartic acid 746 with asparagine.
Molecular consequence: missense variant.
Genome position (GRCh38, 1-based): chr11:77,177,597, G>A. VCF-style: chr11-77177597-G-A. GRCh37 (hg19) VCF-style: chr11-76888643-G-A.
Other names: c.2236G>A, p.Asp746Asn (NM_001127180.2); c.2203G>A, p.Asp735Asn (NM_001369365.1); short protein forms D746N, D735N.
Identifiers: ClinVar variation 43177 (VCV000043177.30), dbSNP rs36090425, ClinGen allele CA132239.

ClinVar aggregate classification (germline): Benign/Likely benign. Review status: criteria provided, multiple submitters, no conflicts (2 of 4 stars). 12 submissions from 10 submitters: Benign (6); Likely benign (3). 3 of the submissions do not count toward it. Last evaluated 2026-01-31.

Conditions:
Usher syndrome type 1 (USH1). Also called: RETINITIS PIGMENTOSA AND CONGENITAL DEAFNESS. Identifiers: Orphanet 231169, Orphanet 886, MedGen C1568247, MONDO:0010168, OMIM 276900.
Usher syndrome type 1B (USH1B). Also called: Usher syndrome type IB. Identifiers: MedGen C1848638, MONDO:0700087.
Autosomal recessive nonsyndromic hearing loss 2. Also called: DEAFNESS, AUTOSOMAL RECESSIVE 2; NEUROSENSORY NONSYNDROMIC RECESSIVE DEAFNESS 2. Identifiers: Orphanet 90636, MedGen C1838701, MONDO:0010807, OMIM 600060.
Autosomal dominant nonsyndromic hearing loss 11. Identifiers: Orphanet 90635, MedGen C1832475, MONDO:0011032, OMIM 601317.

Allele frequency attached by ClinVar (database versions not stated): gnomAD exomes 0.00051 and 0.00148; ExAC 0.00224; ESP Exome Variant Server 0.00584; TOPMed 0.00619; gnomAD 0.00646 and 0.00608; 1000 Genomes Project 0.00739; 1000 Genomes Project 30x 0.00812.
gnomAD v4.1: 1,707 of 1,612,112 alleles (0.11%); highest among the groups gnomAD compares: African/African-American, 2%; 21 homozygotes.

Submissions (12):

Labcorp Genetics (formerly Invitae), Labcorp
Classification: Benign. Last evaluated: 2026-01-31. Review status: criteria provided, single submitter. Criteria: Invitae Variant Classification Sherloc (09022015). Collection method: clinical testing. Allele origin: germline.

Genomic Medicine Center of Excellence, King Faisal Specialist Hospital and Research Centre
Classification: Likely benign. Last evaluated: 2025-08-18. Review status: criteria provided, single submitter. Criteria: ACMG Guidelines, 2015. Collection method: clinical testing. Allele origin: germline.

GeneDx
Classification: Benign. Last evaluated: 2018-06-25. Review status: criteria provided, single submitter. Criteria: GeneDx Variant Classification Process June 2021. Collection method: clinical testing. Allele origin: germline. Affected: yes.
Comment: This variant is associated with the following publications: (PMID: 26969326)

Laboratory for Molecular Medicine, Mass General Brigham Personalized Medicine
Classification: Benign. Last evaluated: 2017-10-05. Review status: criteria provided, single submitter. Criteria: LMM Criteria. Collection method: clinical testing. Allele origin: germline. Observed: 9 variant alleles.
Comment: Variant in 2.1% (506/23574) of African chromosomes by the Genome Aggregation Dat abase (gnomAD; dbSNP rs36090425).

Illumina Laboratory Services, Illumina
Classification: Likely benign for Autosomal recessive nonsyndromic hearing loss 2. Last evaluated: 2017-04-28. Review status: criteria provided, single submitter. Criteria: ICSL Variant Classification Criteria 13 December 2019. Collection method: clinical testing. Allele origin: germline.
Comment: This variant was observed as part of a predisposition screen in an ostensibly healthy population. A literature search was performed for the gene, cDNA change, and amino acid change (where applicable). Publications were found based on this search. The evidence from the literature, in combination with allele frequency data from public databases where available, was sufficient to determine this variant is unlikely to cause disease. Therefore, this variant is classified as likely benign.

Illumina Laboratory Services, Illumina
Classification: Benign for Autosomal dominant nonsyndromic hearing loss 11. Last evaluated: 2017-04-28. Review status: criteria provided, single submitter. Criteria: ICSL Variant Classification Criteria 13 December 2019. Collection method: clinical testing. Allele origin: germline.
Comment: This variant was observed as part of a predisposition screen in an ostensibly healthy population. A literature search was performed for the gene, cDNA change, and amino acid change (where applicable). Publications were found based on this search. The evidence from the literature, in combination with allele frequency data from public databases where available, was sufficient to rule this variant out of causing disease. Therefore, this variant is classified as benign.

Illumina Laboratory Services, Illumina
Classification: Benign for Usher syndrome type 1. Last evaluated: 2017-04-28. Review status: criteria provided, single submitter. Criteria: ICSL Variant Classification Criteria 13 December 2019. Collection method: clinical testing. Allele origin: germline.
Comment: the same text as in the submission from Illumina Laboratory Services, Illumina above.

Eurofins Ntd Llc (ga)
Classification: Benign. Last evaluated: 2017-04-04. Review status: criteria provided, single submitter. Criteria: EGL Classification Definitions 2015. Collection method: clinical testing. Allele origin: germline. Observed: 2 variant alleles, 2 heterozygotes.

Breakthrough Genomics
Classification: Likely benign. Review status: criteria provided, single submitter. Criteria: ACMG Guidelines, 2015. Collection method: not provided. Allele origin: germline. Inheritance: Autosomal recessive inheritance. Affected: yes.

Natera, Inc.
Classification: Benign for Usher syndrome type 1B. Last evaluated: 2020-04-16. Review status: no assertion criteria provided. Collection method: clinical testing. Allele origin: germline. Not counted in ClinVar's aggregate classification.

Clinical Genetics DNA and cytogenetics Diagnostics Lab, Erasmus MC, Erasmus Medical Center
Classification: Likely benign. Review status: no assertion criteria provided. Collection method: clinical testing. Allele origin: germline. Affected: yes. Study: VKGL Data-share Consensus. Not counted in ClinVar's aggregate classification.

Clinical Genetics, Academic Medical Center
Classification: Likely benign. Review status: no assertion criteria provided. Collection method: clinical testing. Allele origin: germline. Affected: yes. Study: VKGL Data-share Consensus. Not counted in ClinVar's aggregate classification.

Literature cited by the submitters: PubMed 26969326 (cited by Illumina Laboratory Services, Illumina).